The following is an entry in ClinVar:

NM_000152.5(GAA):c.2744A>C (p.Gln915Pro)

Gene: GAA (alpha glucosidase; plus strand). Cytogenetic location: 17q25.3.
Variant type: single nucleotide variant.
Coding change: c.2744A>C on transcript NM_000152.5 (MANE Select); coding-DNA position 2744, A replaced by C.
Protein change: p.Gln915Pro; replaces glutamine 915 with proline.
Molecular consequence: missense variant.
Genome position (GRCh38, 1-based): chr17:80,118,750, A>C. VCF-style: chr17-80118750-A-C. GRCh37 (hg19) VCF-style: chr17-78092549-A-C.
Other names: c.2744A>C, p.Gln915Pro (NM_001079803.3, NM_001079804.3); c.2744A>C (LRG_673t1); short protein forms Q915P.
Identifiers: ClinVar variation 551132 (VCV000551132.3), dbSNP rs1555603272, ClinGen allele CA401327145.

ClinVar aggregate classification (germline): Uncertain significance. Review status: criteria provided, single submitter (1 of 4 stars). 2 submissions from 2 submitters: Uncertain significance (1). 1 of the submissions does not count toward it. Last evaluated 2026-07-01.

Conditions:
Glycogen storage disease, type II (IOPD). Also called: POMPE DISEASE, INFANTILE-ONSET; GLYCOGEN STORAGE DISEASE II, INFANTILE-ONSET; ACID ALPHA-GLUCOSIDASE DEFICIENCY, INFANTILE-ONSET; GAA DEFICIENCY, INFANTILE-ONSET; ACID MALTASE DEFICIENCY, INFANTILE-ONSET; CARDIOMEGALIA GLYCOGENICA DIFFUSA. Identifiers: Orphanet 365, MedGen C0017921, MONDO:0009290, OMIM 232300.

Submissions (2):

Genomenon, Inc
Classification: Uncertain significance for Glycogen storage disease, type II. Last evaluated: 2026-07-01. Review status: criteria provided, single submitter. Criteria: Genomenon Sequence Variant Interpretation Standards - Updated. Collection method: curation. Allele origin: germline. Affected: yes.
Comment: GAA p.Gln915Pro (c.2744A>C) is a missense variant that changes the amino acid at codon 915 from Glutamine to Proline. This variant has been observed in at least one proband with a GAA-related disorder in the compound heterozygous and/or homozygous state (PMID:26497565). It is absent or not present at a significant frequency in gnomAD. In silico models predict that this variant is not damaging. In conclusion, we classify GAA p.Gln915Pro (c.2744A>C) as a variant of uncertain significance.

Counsyl
Classification: Uncertain significance for Glycogen storage disease, type II. Last evaluated: 2017-03-16. Review status: no assertion criteria provided. Collection method: clinical testing. Allele origin: unknown. Not counted in ClinVar's aggregate classification.

Literature cited by the submitters: PubMed 26497565 (cited by Genomenon, Inc and Counsyl).